The following is an entry in ClinVar:

ClinVar aggregate classification (germline): Uncertain significance. Review status: criteria provided, multiple submitters, no conflicts (2 of 4 stars). 3 submissions from 3 submitters: Uncertain significance (3). Last evaluated 2023-09-21.

Conditions:
Developmental and epileptic encephalopathy, 18 (DEE18). Also called: Early infantile epileptic encephalopathy 18. Identifiers: Orphanet 369894, MedGen C3809624, MONDO:0014201, OMIM 615476.

Allele frequency attached by ClinVar (database versions not stated): TOPMed 0.00001.

Submissions (3):

GeneDx
Classification: Uncertain significance. Last evaluated: 2023-09-21. Review status: criteria provided, single submitter. Criteria: GeneDx Variant Classification Process June 2021. Collection method: clinical testing. Allele origin: germline. Affected: yes.
Comment: Not observed in large population cohorts (gnomAD); In silico analysis supports that this missense variant does not alter protein structure/function; Has not been previously published as pathogenic or benign to our knowledge

Genome-Nilou Lab
Classification: Uncertain significance for Developmental and epileptic encephalopathy, 18. Last evaluated: 2023-04-11. Review status: criteria provided, single submitter. Criteria: ACMG Guidelines, 2015. Collection method: clinical testing. Allele origin: germline. Affected: no.

Labcorp Genetics (formerly Invitae), Labcorp
Classification: Uncertain significance. Last evaluated: 2019-11-19. Review status: criteria provided, single submitter. Criteria: Invitae Variant Classification Sherloc (09022015). Collection method: clinical testing. Allele origin: germline.
Comment: In summary, the available evidence is currently insufficient to determine the role of this variant in disease. Therefore, it has been classified as a Variant of Uncertain Significance. Algorithms developed to predict the effect of missense changes on protein structure and function are either unavailable or do not agree on the potential impact of this missense change (SIFT: "Deleterious"; PolyPhen-2: "Possibly Damaging"; Align-GVGD: "Class C0"). This variant has not been reported in the literature in individuals with SZT2-related conditions. This variant is not present in population databases (ExAC no frequency). This sequence change replaces valine with leucine at codon 405 of the SZT2 protein (p.Val405Leu). The valine residue is weakly conserved and there is a small physicochemical difference between valine and leucine.

NM_001365999.1(SZT2):c.1213G>C (p.Val405Leu)

Gene: SZT2 (SZT2 subunit of KICSTOR complex; plus strand). Cytogenetic location: 1p34.2.
Variant type: single nucleotide variant.
Coding change: c.1213G>C on transcript NM_001365999.1 (MANE Select); coding-DNA position 1213, G replaced by C.
Protein change: p.Val405Leu; replaces valine 405 with leucine.
Molecular consequence: missense variant.
Genome position (GRCh38, 1-based): chr1:43,420,275, G>C. VCF-style: chr1-43420275-G-C. GRCh37 (hg19) VCF-style: chr1-43885946-G-C.
Other names: c.1213G>C, p.Val405Leu (NM_015284.4); short protein forms V405L.
Identifiers: ClinVar variation 836393 (VCV000836393.11), dbSNP rs758088517, ClinGen allele CA340006871.